The following is an entry in ClinVar:

NM_001369.3(DNAH5):c.9544A>C (p.Ile3182Leu)

Gene: DNAH5 (dynein axonemal heavy chain 5; minus strand). Cytogenetic location: 5p15.2.
Variant type: single nucleotide variant.
Coding change: c.9544A>C on transcript NM_001369.3 (MANE Select); coding-DNA position 9544, A replaced by C.
Protein change: p.Ile3182Leu; replaces isoleucine 3182 with leucine.
Molecular consequence: missense variant.
Genome position (GRCh38, 1-based): chr5:13,770,810, T>G on the plus strand (A>C on the coding strand, the complement: DNAH5 is on the minus strand). VCF-style: chr5-13770810-T-G. GRCh37 (hg19) VCF-style: chr5-13770919-T-G.
Other names: short protein forms I3182L.
Identifiers: ClinVar variation 933474 (VCV000933474.13), dbSNP rs951528702, ClinGen allele CA113932883.
Genomic context (GRCh38, chr5:13,770,810, plus strand): 5'-TGTTGGCCAGGGTCCGCACCTCCACATGCTTTTCTCCATATATGAACTTATAGCCCTGAA[T>G]AAAGGAGAGGTATGATTTGGGCGTCACGTGGGTAGAACGTCGGAATCTCTGAAAATAATC-3'
Protein context (NP_001360.1, residues 3172-3192): HVTPKSYLSF[Ile3182Leu]QGYKFIYGEK

ClinVar aggregate classification (germline): Uncertain significance. Review status: criteria provided, multiple submitters, no conflicts (2 of 4 stars). 3 submissions from 3 submitters: Uncertain significance (2). 1 of the submissions does not count toward it. Last evaluated 2021-08-31.

Conditions:
Primary ciliary dyskinesia. Also called: Ciliary dyskinesia. Identifiers: Orphanet 244, MedGen C0008780, MONDO:0016575, HP:0012265.

Allele frequency attached by ClinVar (database versions not stated): TOPMed below 0.00001; gnomAD exomes 0.00001.
gnomAD v4.1: 5 of 1,614,054 alleles (0.00031%); highest among the groups gnomAD compares: Non-Finnish European, 0.00042%; no homozygotes.

Submissions (3):

Labcorp Genetics (formerly Invitae), Labcorp
Classification: Uncertain significance for Primary ciliary dyskinesia. Last evaluated: 2021-08-31. Review status: criteria provided, single submitter. Criteria: Invitae Variant Classification Sherloc (09022015). Collection method: clinical testing. Allele origin: germline.
Comment: This sequence change replaces isoleucine with leucine at codon 3182 of the DNAH5 protein (p.Ile3182Leu). The isoleucine residue is highly conserved and there is a small physicochemical difference between isoleucine and leucine. This variant is not present in population databases (ExAC no frequency). This variant has not been reported in the literature in individuals affected with DNAH5-related conditions. Algorithms developed to predict the effect of missense changes on protein structure and function are either unavailable or do not agree on the potential impact of this missense change (SIFT: "Deleterious"; PolyPhen-2: "Benign"; Align-GVGD: "Class C0"). In summary, the available evidence is currently insufficient to determine the role of this variant in disease. Therefore, it has been classified as a Variant of Uncertain Significance.

Ambry Genetics
Classification: Uncertain significance for Primary ciliary dyskinesia. Last evaluated: 2014-06-18. Review status: criteria provided, single submitter. Criteria: Ambry Variant Classification Scheme 2023. Collection method: clinical testing. Allele origin: germline.
Comment: The p.I3182L variant (also known as c.9544A>C), located in coding exon 56 of the DNAH5 gene, results from an A to C substitution at nucleotide position 9544. The isoleucine at codon 3182 is replaced by leucine, an amino acid with highly similar properties. This variant was not reported in population based cohorts in the following databases: Database of Single Nucleotide Polymorphisms (dbSNP), NHLBI Exome Sequencing Project (ESP), and 1000 Genomes Project. In the ESP, this variant was not observed in 6503 samples (13006 alleles) with coverage at this position. This amino acid position is highly conserved in available vertebrate species. In addition, this alteration is predicted to be tolerated by in silico analysis. Since supporting evidence is limited at this time, the clinical significance of this variant remains unclear.

Natera, Inc.
Classification: Uncertain significance for Primary ciliary dyskinesia. Last evaluated: 2020-01-28. Review status: no assertion criteria provided. Collection method: clinical testing. Allele origin: germline. Not counted in ClinVar's aggregate classification.